The following is an entry in ClinVar:

NM_003900.5(SQSTM1):c.580G>C (p.Gly194Arg)

Gene: SQSTM1 (sequestosome 1; plus strand). Cytogenetic location: 5q35.3.
Variant type: single nucleotide variant.
Coding change: c.580G>C on transcript NM_003900.5 (MANE Select); coding-DNA position 580, G replaced by C.
Protein change: p.Gly194Arg; replaces glycine 194 with arginine.
Molecular consequence: missense variant.
Genome position (GRCh38, 1-based): chr5:179,824,230, G>C. VCF-style: chr5-179824230-G-C. GRCh37 (hg19) VCF-style: chr5-179251230-G-C.
Other names: c.328G>C, p.Gly110Arg (NM_001142298.2, NM_001142299.2); short protein forms G110R, G194R.
Identifiers: ClinVar variation 1416996 (VCV001416996.6), dbSNP rs373585056, ClinGen allele CA362445575.

ClinVar aggregate classification (germline): Uncertain significance (1 of 4 stars; one submission).

Conditions:
Frontotemporal dementia and/or amyotrophic lateral sclerosis 1 (FTDALS1). Also called: Frontotemporal dementia with motor neuron disease 1; C9orf72 Frontotemporal Dementia and/or Amyotrophic Lateral Sclerosis. Identifiers: Orphanet 275872, MedGen C5779877, MONDO:0007105, OMIM 105550.
Paget disease of bone 2, early-onset (PDB2). Also called: Paget disease of bone 2. Identifiers: MedGen C4085251, MONDO:0011183, OMIM 602080.

gnomAD v4.1: 2 of 1,613,848 alleles (0.00012%); highest among the groups gnomAD compares: Admixed American, 0.0017%; no homozygotes.

Submission:

Labcorp Genetics (formerly Invitae), Labcorp
Classification: Uncertain significance for Paget disease of bone 2, early-onset; Frontotemporal dementia and/or amyotrophic lateral sclerosis 1. Last evaluated: 2021-12-02. Review status: criteria provided, single submitter. Criteria: Invitae Variant Classification Sherloc (09022015). Collection method: clinical testing. Allele origin: germline.
Comment: In summary, the available evidence is currently insufficient to determine the role of this variant in disease. Therefore, it has been classified as a Variant of Uncertain Significance. This sequence change replaces glycine, which is neutral and non-polar, with arginine, which is basic and polar, at codon 194 of the SQSTM1 protein (p.Gly194Arg). This variant is present in population databases (no rsID available, gnomAD no frequency). This missense change has been observed in individual(s) with inclusion body myopathy (PMID: 27594680). Algorithms developed to predict the effect of missense changes on protein structure and function output the following: SIFT: "Tolerated"; PolyPhen-2: "Benign"; Align-GVGD: "Class C0". The arginine amino acid residue is found in multiple mammalian species, which suggests that this missense change does not adversely affect protein function.

Literature cited by the submitters: PubMed 27594680.